The following is an entry in ClinVar:

ClinVar aggregate classification (germline): Uncertain significance. Review status: criteria provided, multiple submitters, no conflicts (2 of 4 stars). 2 submissions from 2 submitters: Uncertain significance (2). Last evaluated 2025-02-08.

Conditions:
Dyskeratosis congenita. Identifiers: Orphanet 1775, MedGen C0265965, MONDO:0015780.
Inborn genetic diseases. Identifiers: MedGen C0950123, MeSH D030342.

Submissions (2):

Ambry Genetics
Classification: Uncertain significance for Inborn genetic diseases. Last evaluated: 2025-02-08. Review status: criteria provided, single submitter. Criteria: Ambry Variant Classification Scheme 2023. Collection method: clinical testing. Allele origin: germline.

Labcorp Genetics (formerly Invitae), Labcorp
Classification: Uncertain significance for Dyskeratosis congenita. Last evaluated: 2023-10-05. Review status: criteria provided, single submitter. Criteria: Invitae Variant Classification Sherloc (09022015). Collection method: clinical testing. Allele origin: germline.
Comment: This sequence change replaces tyrosine, which is neutral and polar, with histidine, which is basic and polar, at codon 1011 of the CTC1 protein (p.Tyr1011His). This variant is not present in population databases (gnomAD no frequency). This variant has not been reported in the literature in individuals affected with CTC1-related conditions. Advanced modeling of protein sequence and biophysical properties (such as structural, functional, and spatial information, amino acid conservation, physicochemical variation, residue mobility, and thermodynamic stability) performed at Invitae indicates that this missense variant is not expected to disrupt CTC1 protein function. In summary, the available evidence is currently insufficient to determine the role of this variant in disease. Therefore, it has been classified as a Variant of Uncertain Significance.

NM_025099.6(CTC1):c.3031T>C (p.Tyr1011His)

Gene: CTC1 (CST telomere replication complex component 1; minus strand). Cytogenetic location: 17p13.1.
Variant type: single nucleotide variant.
Coding change: c.3031T>C on transcript NM_025099.6 (MANE Select); coding-DNA position 3031, T replaced by C.
Protein change: p.Tyr1011His; replaces tyrosine 1011 with histidine.
Molecular consequence: missense variant. On other transcripts: non-coding transcript variant (1).
Genome position (GRCh38, 1-based): chr17:8,229,427, A>G on the plus strand (T>C on the coding strand, the complement: CTC1 is on the minus strand). VCF-style: chr17-8229427-A-G. GRCh37 (hg19) VCF-style: chr17-8132745-A-G.
Other names: c.3031T>C, p.Tyr1011His (NM_001411067.1); c.3031T>C (NM_025099.5); short protein forms Y1011H.
Identifiers: ClinVar variation 2712391 (VCV002712391.4), dbSNP rs2507871162, ClinGen allele CA397972511.
Genomic context (GRCh38, chr17:8,229,427, plus strand): 5'-TATGGCAAGAGGCAGTGGCCTGGAATGGGGACTGACCACCCTGCAGAAGTTCAGCCAGGT[A>G]GATGTGGGGCAGGGGAATGCTAAATAAATACAGGGAGACAGAGACAGGGGTCAAGATAAC-3'
Protein context (NP_079375.3, residues 1001-1021): TTISIPLPHI[Tyr1011His]LAELLQGGQS